The following is an entry in ClinVar:

NM_015896.4(ZMYND10):c.775G>T (p.Asp259Tyr)

Gene: ZMYND10 (zinc finger MYND-type containing 10; minus strand). Cytogenetic location: 3p21.31.
Variant type: single nucleotide variant.
Coding change: c.775G>T on transcript NM_015896.4 (MANE Select); coding-DNA position 775, G replaced by T.
Protein change: p.Asp259Tyr; replaces aspartic acid 259 with tyrosine.
Molecular consequence: missense variant.
Genome position (GRCh38, 1-based): chr3:50,342,495, C>A on the plus strand (G>T on the coding strand, the complement: ZMYND10 is on the minus strand). VCF-style: chr3-50342495-C-A. GRCh37 (hg19) VCF-style: chr3-50379926-C-A.
Other names: c.760G>T, p.Asp254Tyr (NM_001308379.2); short protein forms D254Y, D259Y.
Identifiers: ClinVar variation 1946792 (VCV001946792.5), dbSNP rs772481555, ClinGen allele CA352939787.

ClinVar aggregate classification (germline): Uncertain significance (1 of 4 stars; one submission).

Conditions:
Primary ciliary dyskinesia. Also called: Ciliary dyskinesia. Identifiers: Orphanet 244, MedGen C0008780, MONDO:0016575, HP:0012265.

Submission:

Labcorp Genetics (formerly Invitae), Labcorp
Classification: Uncertain significance for Primary ciliary dyskinesia. Last evaluated: 2022-08-21. Review status: criteria provided, single submitter. Criteria: Invitae Variant Classification Sherloc (09022015). Collection method: clinical testing. Allele origin: germline.
Comment: In summary, the available evidence is currently insufficient to determine the role of this variant in disease. Therefore, it has been classified as a Variant of Uncertain Significance. Algorithms developed to predict the effect of missense changes on protein structure and function (SIFT, PolyPhen-2, Align-GVGD) all suggest that this variant is likely to be disruptive. This missense change has been observed in individual(s) with clinical features of primary ciliary dyskinesia (Invitae). This variant is not present in population databases (gnomAD no frequency). This sequence change replaces aspartic acid, which is acidic and polar, with tyrosine, which is neutral and polar, at codon 259 of the ZMYND10 protein (p.Asp259Tyr).